The following is an entry in ClinVar:

ClinVar aggregate classification (germline): Uncertain significance (1 of 4 stars; one submission).

Conditions:
Familial cancer of breast. Also called: hereditary breast carcinoma; BREAST CANCER, FAMILIAL; Hereditary breast cancer. Identifiers: Orphanet 227535, MedGen C0346153, MONDO:0016419, OMIM 114480. Disease mechanism: loss of function.

Submission:

Labcorp Genetics (formerly Invitae), Labcorp
Classification: Uncertain significance for Familial cancer of breast. Last evaluated: 2023-05-31. Review status: criteria provided, single submitter. Criteria: Invitae Variant Classification Sherloc (09022015). Collection method: clinical testing. Allele origin: germline.
Comment: In summary, the available evidence is currently insufficient to determine the role of this variant in disease. Therefore, it has been classified as a Variant of Uncertain Significance. Algorithms developed to predict the effect of missense changes on protein structure and function output the following: SIFT: "Not Available"; PolyPhen-2: "Benign"; Align-GVGD: "Not Available". The glutamic acid amino acid residue is found in multiple mammalian species, which suggests that this missense change does not adversely affect protein function. This variant has not been reported in the literature in individuals affected with PALB2-related conditions. This variant is not present in population databases (gnomAD no frequency). This sequence change replaces lysine, which is basic and polar, with glutamic acid, which is acidic and polar, at codon 203 of the PALB2 protein (p.Lys203Glu).

NM_024675.4(PALB2):c.607A>G (p.Lys203Glu)

Gene: PALB2 (partner and localizer of BRCA2; minus strand). Cytogenetic location: 16p12.2.
Variant type: single nucleotide variant.
Coding change: c.607A>G on transcript NM_024675.4 (MANE Select); coding-DNA position 607, A replaced by G.
Protein change: p.Lys203Glu; replaces lysine 203 with glutamic acid.
Molecular consequence: missense variant. On other transcripts: 5 prime UTR variant (8), intron variant (3).
Genome position (GRCh38, 1-based): chr16:23,635,939, T>C on the plus strand (A>G on the coding strand, the complement: PALB2 is on the minus strand). VCF-style: chr16-23635939-T-C. GRCh37 (hg19) VCF-style: chr16-23647260-T-C.
Other names: c.547A>G, p.Lys183Glu (NM_001407296.1); c.607A>G, p.Lys203Glu (NM_001407297.1, NM_001407298.1, NM_001407299.1 and 3 more transcripts); c.-279A>G (NM_001407304.1, NM_001407305.1, NM_001407306.1 and 5 more transcripts); c.48+5171A>G (NM_001407314.1); c.-105+5171A>G (NM_001407313.1, NM_001407312.1); short protein forms K203E, K183E.
Identifiers: ClinVar variation 2844352 (VCV002844352.3), dbSNP rs2506505934, ClinGen allele CA395136664.
Genomic context (GRCh38, chr16:23,635,939, plus strand): 5'-TTAATACACTGTCTTCATTAATTTCTGTAACTGGTTCTGGAGAATCTGGAAGTTCAGATT[T>C]AAGACTTAAAAGGTGAGTTCTTATTTCAGTTACTGGTGATCTAGCAGGATTTTTGCTACT-3'
Protein context (NP_078951.2, residues 193-213): TEIRTHLLSL[Lys203Glu]SELPDSPEPV